The following is an entry in ClinVar:

ClinVar aggregate classification (germline): Uncertain significance (1 of 4 stars; one submission).

gnomAD v4.1: 5 of 1,613,980 alleles (0.00031%); highest among the groups gnomAD compares: African/African-American, 0.0067%; no homozygotes.

Submission:

Ambry Genetics
Classification: Uncertain significance. Last evaluated: 2025-02-15. Review status: criteria provided, single submitter. Criteria: Ambry Variant Classification Scheme 2023. Collection method: clinical testing. Allele origin: germline.
Comment: The p.V634L variant (also known as c.1900G>T), located in coding exon 19 of the SRP72 gene, results from a G to T substitution at nucleotide position 1900. The valine at codon 634 is replaced by leucine, an amino acid with highly similar properties. This amino acid position is conserved. In addition, this alteration is predicted to be tolerated by in silico analysis. Based on the available evidence, the clinical significance of this variant remains unclear.

NM_006947.4(SRP72):c.1900G>T (p.Val634Leu)

Gene: SRP72 (signal recognition particle 72; plus strand). Cytogenetic location: 4q12.
Variant type: single nucleotide variant.
Coding change: c.1900G>T on transcript NM_006947.4 (MANE Select); coding-DNA position 1900, G replaced by T.
Protein change: p.Val634Leu; replaces valine 634 with leucine.
Molecular consequence: missense variant. On other transcripts: non-coding transcript variant (1).
Genome position (GRCh38, 1-based): chr4:56,501,745, G>T. VCF-style: chr4-56501745-G-T. GRCh37 (hg19) VCF-style: chr4-57367911-G-T.
Other names: c.1717G>T, p.Val573Leu (NM_001267722.2); short protein forms V573L, V634L.
Identifiers: ClinVar variation 3801489 (VCV003801489.1).